The following is an entry in ClinVar:

ClinVar aggregate classification (germline): Uncertain significance. Review status: criteria provided, multiple submitters, no conflicts (2 of 4 stars). 2 submissions from 2 submitters: Uncertain significance (2). Last evaluated 2024-03-12.

Conditions:
Melnick-Needles syndrome (MNS). Also called: Melnick-Needles Syndrome (FLNA-MNS); MELNICK-NEEDLES OSTEODYSPLASTY; OSTEODYSPLASTY OF MELNICK AND NEEDLES. Identifiers: Orphanet 2484, MedGen C0025237, MONDO:0010650, OMIM 309350.
Oto-palato-digital syndrome, type II (OPD2). Also called: Otopalatodigital Syndrome Type 2 (FLNA-OPD2); FACIOPALATOOSSEOUS SYNDROME; OPD II SYNDROME; Otopalatodigital Syndrome, Type II. Identifiers: Orphanet 669, Orphanet 90652, MedGen C1844696, MONDO:0010571, OMIM 304120.
Heterotopia, periventricular, X-linked dominant (PVNH1). Also called: PERIVENTRICULAR NODULAR HETEROTOPIA 1; X-linked periventricular heterotopia; PERIVENTRICULAR NODULAR HETEROTOPIA 4; HETEROTOPIA, PERIVENTRICULAR, 1. Identifiers: Orphanet 2149, Orphanet 82004, MedGen C1848213, MONDO:0010233, OMIM 300049.
Frontometaphyseal dysplasia (FMD1). Identifiers: Orphanet 1826, MedGen C0265293, MONDO:0015942.

Submissions (2):

Labcorp Genetics (formerly Invitae), Labcorp
Classification: Uncertain significance for Oto-palato-digital syndrome, type II; Heterotopia, periventricular, X-linked dominant; Frontometaphyseal dysplasia; Melnick-Needles syndrome. Last evaluated: 2024-03-12. Review status: criteria provided, single submitter. Criteria: Invitae Variant Classification Sherloc (09022015). Collection method: clinical testing. Allele origin: germline.
Comment: This sequence change replaces glutamine, which is neutral and polar, with leucine, which is neutral and non-polar, at codon 941 of the FLNA protein (p.Gln941Leu). This variant is not present in population databases (gnomAD no frequency). This variant has not been reported in the literature in individuals affected with FLNA-related conditions. Advanced modeling of protein sequence and biophysical properties (such as structural, functional, and spatial information, amino acid conservation, physicochemical variation, residue mobility, and thermodynamic stability) performed at Invitae indicates that this missense variant is not expected to disrupt FLNA protein function with a negative predictive value of 95%. In summary, the available evidence is currently insufficient to determine the role of this variant in disease. Therefore, it has been classified as a Variant of Uncertain Significance.

GeneDx
Classification: Uncertain significance. Last evaluated: 2023-07-28. Review status: criteria provided, single submitter. Criteria: GeneDx Variant Classification Process June 2021. Collection method: clinical testing. Allele origin: germline. Affected: yes.
Comment: Not observed at significant frequency in large population cohorts (gnomAD); In silico analysis supports that this missense variant has a deleterious effect on protein structure/function; Has not been previously published as pathogenic or benign to our knowledge

NM_001110556.2(FLNA):c.2822A>T (p.Gln941Leu)

Gene: FLNA (filamin A; minus strand). Cytogenetic location: Xq28.
Variant type: single nucleotide variant.
Coding change: c.2822A>T on transcript NM_001110556.2 (MANE Select); coding-DNA position 2822, A replaced by T.
Protein change: p.Gln941Leu; replaces glutamine 941 with leucine.
Molecular consequence: missense variant.
Genome position (GRCh38, 1-based): chrX:154,361,983, T>A on the plus strand (A>T on the coding strand, the complement: FLNA is on the minus strand). VCF-style: chrX-154361983-T-A. GRCh37 (hg19) VCF-style: chrX-153590351-T-A.
Other names: c.2822A>T, p.Gln941Leu (NM_001456.4); short protein forms Q941L.
Identifiers: ClinVar variation 3361757 (VCV003361757.3).